The following is an entry in ClinVar:

NM_004115.4(FGF14):c.692C>T (p.Ala231Val)

Gene: FGF14 (fibroblast growth factor 14; minus strand). Cytogenetic location: 13q33.1.
Variant type: single nucleotide variant.
Coding change: c.692C>T on transcript NM_004115.4 (MANE Select); coding-DNA position 692, C replaced by T.
Protein change: p.Ala231Val; replaces alanine 231 with valine.
Molecular consequence: missense variant.
Genome position (GRCh38, 1-based): chr13:101,722,883, G>A on the plus strand (C>T on the coding strand, the complement: FGF14 is on the minus strand). VCF-style: chr13-101722883-G-A. GRCh37 (hg19) VCF-style: chr13-102375233-G-A.
Other names: c.440C>T, p.Ala147Val (NM_001321931.1, NM_001321934.1, NM_001321935.1 and 4 more transcripts); c.503C>T, p.Ala168Val (NM_001321932.1, NM_001321936.1, NM_001321944.1); c.512C>T, p.Ala171Val (NM_001321933.1, NM_001321938.2, NM_001321940.1); c.596C>T, p.Ala199Val (NM_001321939.2); c.506C>T, p.Ala169Val (NM_001321941.2); c.590C>T, p.Ala197Val (NM_001321945.2, NM_001321948.2, NM_001379342.1); c.551C>T, p.Ala184Val (NM_001321947.2); c.707C>T, p.Ala236Val (NM_175929.3); short protein forms A147V, A168V, A169V, A171V, A184V, A197V, A199V, A231V.
Identifiers: ClinVar variation 4811340 (VCV004811340.1).
Genomic context (GRCh38, chr13:101,722,883, plus strand): 5'-GGATCTGGCTATGTTGTCTTACTCTTGTTGACTGGTTTGCCTCCATTCATTATTGCAGAC[G>A]CACTTGTGCTTTTACTTGGCGTCACCCCAGGCTTCGGGACCGTTTCCCCAACATCATGCA-3'
Protein context (NP_004106.1, residues 221-241): PGVTPSKSTS[Ala231Val]SAIMNGGKPV

ClinVar aggregate classification (germline): Uncertain significance (1 of 4 stars; one submission).

gnomAD v4.1: 92 of 1,613,116 alleles (0.0057%); highest among the groups gnomAD compares: East Asian, 0.082%; no homozygotes.

Submission:

Labcorp Genetics (formerly Invitae), Labcorp
Classification: Uncertain significance. Last evaluated: 2025-02-19. Review status: criteria provided, single submitter. Criteria: Invitae Variant Classification Sherloc (09022015). Collection method: clinical testing. Allele origin: germline.
Comment: This sequence change replaces alanine, which is neutral and non-polar, with valine, which is neutral and non-polar, at codon 231 of the FGF14 protein (p.Ala231Val). This variant is present in population databases (rs199536239, gnomAD 0.07%), and has an allele count higher than expected for a pathogenic variant. This variant has not been reported in the literature in individuals affected with FGF14-related conditions. Invitae Evidence Modeling of protein sequence and biophysical properties (such as structural, functional, and spatial information, amino acid conservation, physicochemical variation, residue mobility, and thermodynamic stability) indicates that this missense variant is not expected to disrupt FGF14 protein function with a negative predictive value of 80%. In summary, the available evidence is currently insufficient to determine the role of this variant in disease. Therefore, it has been classified as a Variant of Uncertain Significance.